The following is an entry in ClinVar:

NC_000017.10:g.(?_29422055)_(29701173_?)del

Genes: EVI2A (ecotropic viral integration site 2A; minus strand), EVI2B (ecotropic viral integration site 2B; minus strand), NF1 (neurofibromin 1; plus strand), OMG (oligodendrocyte myelin glycoprotein; minus strand). Cytogenetic location: 17q11.2.
Variant type: Deletion.
Identifiers: ClinVar variation 1071967 (VCV001071967.1).

ClinVar aggregate classification (germline): Pathogenic (1 of 4 stars; one submission).

Conditions:
Neurofibromatosis, type 1 (NF1). Also called: VON RECKLINGHAUSEN DISEASE; Peripheral type neurofibromatosis; NEUROFIBROMATOSIS, TYPE I, SOMATIC; Neurofibromatosis, type I. Identifiers: Orphanet 636, MedGen C0027831, MONDO:0018975, OMIM 162200. Disease mechanism: loss of function.

Submission:

Labcorp Genetics (formerly Invitae), Labcorp
Classification: Pathogenic for Neurofibromatosis, type 1. Last evaluated: 2020-06-09. Review status: criteria provided, single submitter. Criteria: Invitae Variant Classification Sherloc (09022015). Collection method: clinical testing. Allele origin: germline.
Comment: A gross deletion of the genomic region encompassing the full coding sequence of the NF1 gene has been identified. The boundaries of this event are unknown as the deletion extends beyond the assayed region for this gene and therefore may encompass additional genes. Isolated whole-gene deletions of NF1 have not been reported in the literature. However, larger copy number events that include this gene have been reported (PMID: 8116612, 9643287, 8931693, 25541118, 22837079, 25480383). Loss-of-function variants in NF1 are known to be pathogenic (PMID: 10712197, 23913538). For these reasons, this variant has been classified as Pathogenic.

Literature cited by the submitters: PubMed 8116612; PubMed 9643287; PubMed 8931693; PubMed 25541118; PubMed 22837079; PubMed 25480383; PubMed 10712197; PubMed 23913538.